The following is an entry in ClinVar:

ClinVar aggregate classification (germline): Conflicting classifications of pathogenicity. Review status: criteria provided, conflicting classifications (1 of 4 stars). 4 submissions from 4 submitters: Uncertain significance (3); Likely benign (1). Last evaluated 2026-02-27.

Conditions:
Ullrich congenital muscular dystrophy 2 (UCMD2). Identifiers: Orphanet 75840, MedGen C4225314, MONDO:0014654, OMIM 616470.
Bethlem myopathy 2 (BTHLM2). Identifiers: Orphanet 536516, Orphanet 610, MedGen C4225313, MONDO:0034022, OMIM 616471.
Inborn genetic diseases. Identifiers: MedGen C0950123, MeSH D030342.

Allele frequency attached by ClinVar (database versions not stated): TOPMed 0.00005; ESP Exome Variant Server 0.00008; gnomAD 0.00010.
gnomAD v4.1: 22 of 1,609,598 alleles (0.0014%); highest among the groups gnomAD compares: African/African-American, 0.011%; no homozygotes.

Submissions (4):

Women's Health and Genetics/Laboratory Corporation of America, LabCorp
Classification: Uncertain significance. Last evaluated: 2026-02-27. Review status: criteria provided, single submitter. Criteria: LabCorp Variant Classification Summary - May 2015. Collection method: clinical testing. Allele origin: germline.
Comment: Variant summary: COL12A1 c.9076C>G (p.Pro3026Ala) results in a non-conservative amino acid change in the encoded protein sequence. Algorithms developed to predict the effect of missense changes on protein structure and function all suggest that this variant is likely to be disruptive. The variant allele was found at a frequency of 2.1e-05 in 243406 control chromosomes. The available data on variant occurrences in the general population are insufficient to allow any conclusion about variant significance. To our knowledge, no occurrence of c.9076C>G in individuals affected with COL12A1-related conditions and no experimental evidence demonstrating its impact on protein function have been reported. ClinVar contains an entry for this variant (Variation ID: 580957). Based on the evidence outlined above, the variant was classified as uncertain significance.

Labcorp Genetics (formerly Invitae), Labcorp
Classification: Likely benign for Bethlem myopathy 2; Ullrich congenital muscular dystrophy 2. Last evaluated: 2026-01-09. Review status: criteria provided, single submitter. Criteria: Invitae Variant Classification Sherloc (09022015). Collection method: clinical testing. Allele origin: germline.

Ambry Genetics
Classification: Uncertain significance for Inborn genetic diseases. Last evaluated: 2023-12-19. Review status: criteria provided, single submitter. Criteria: Ambry Variant Classification Scheme 2023. Collection method: clinical testing. Allele origin: germline.

Revvity Omics, Revvity
Classification: Uncertain significance. Last evaluated: 2023-08-31. Review status: criteria provided, single submitter. Criteria: ACMG Guidelines, 2015. Collection method: clinical testing. Allele origin: germline.

NM_004370.6(COL12A1):c.9076C>G (p.Pro3026Ala)

Gene: COL12A1 (collagen type XII alpha 1 chain; minus strand). Cytogenetic location: 6q13.
Variant type: single nucleotide variant.
Coding change: c.9076C>G on transcript NM_004370.6 (MANE Select); coding-DNA position 9076, C replaced by G.
Protein change: p.Pro3026Ala; replaces proline 3026 with alanine.
Molecular consequence: missense variant.
Genome position (GRCh38, 1-based): chr6:75,087,682, G>C on the plus strand (C>G on the coding strand, the complement: COL12A1 is on the minus strand). VCF-style: chr6-75087682-G-C. GRCh37 (hg19) VCF-style: chr6-75797398-G-C.
Other names: c.5584C>G, p.Pro1862Ala (NM_080645.3); short protein forms P3026A, P1862A.
Identifiers: ClinVar variation 580957 (VCV000580957.14), dbSNP rs376189614, ClinGen allele CA3892026.